The following is an entry in ClinVar:

ClinVar aggregate classification (germline): Conflicting classifications of pathogenicity. Review status: criteria provided, conflicting classifications (1 of 4 stars). 3 submissions from 2 submitters: Uncertain significance (1); Likely benign (2). Last evaluated 2019-05-17.

Conditions:
Microphthalmia, isolated, with coloboma 3 (MCOPCB3). Also called: MICROPHTHALMIA/COLOBOMA 3; MICROPHTHALMIA, COLOBOMATOUS, 3. Identifiers: Orphanet 98938, MedGen C1864721, MONDO:0012408, OMIM 610092.
Isolated microphthalmia 2. Identifiers: Orphanet 2542, MedGen C1864720, MONDO:0012409, OMIM 610093.

Allele frequency attached by ClinVar (database versions not stated): gnomAD 0.00584 and 0.00627; 1000 Genomes Project 0.00799; gnomAD exomes 0.00060; TOPMed 0.00651; 1000 Genomes Project 30x 0.00828.
gnomAD v4.1: 1,772 of 1,540,780 alleles (0.12%); highest among the groups gnomAD compares: African/African-American, 2.1%; 12 homozygotes.

Submissions (3):

GeneDx
Classification: Likely benign. Last evaluated: 2019-05-17. Review status: criteria provided, single submitter. Criteria: GeneDx Variant Classification Process June 2021. Collection method: clinical testing. Allele origin: germline. Affected: yes.

Illumina Laboratory Services, Illumina
Classification: Likely benign for Isolated microphthalmia 2. Last evaluated: 2018-01-13. Review status: criteria provided, single submitter. Criteria: ICSL Variant Classification Criteria 13 December 2019. Collection method: clinical testing. Allele origin: germline.
Comment: This variant was observed in the ICSL laboratory as part of a predisposition screen in an ostensibly healthy population. It had not been previously curated by ICSL or reported in the Human Gene Mutation Database (HGMD: prior to June 1st, 2018), and was therefore a candidate for classification through an automated scoring system. Utilizing variant allele frequency, disease prevalence and penetrance estimates, and inheritance mode, an automated score was calculated to assess if this variant is too frequent to cause the disease. Based on the score and internal cut-off values, a variant classified as likely benign is not then subjected to further curation. The score for this variant resulted in a classification of likely benign for this disease.

Illumina Laboratory Services, Illumina
Classification: Uncertain significance for Microphthalmia, isolated, with coloboma 3. Last evaluated: 2018-01-13. Review status: criteria provided, single submitter. Criteria: ICSL Variant Classification Criteria 13 December 2019. Collection method: clinical testing. Allele origin: germline.

NM_182894.3(VSX2):c.*54G>A

Gene: VSX2 (visual system homeobox 2; plus strand). Cytogenetic location: 14q24.3.
Variant type: single nucleotide variant.
Coding change: c.*54G>A on transcript NM_182894.3 (MANE Select); 54 bases downstream of the stop codon, G replaced by A.
Molecular consequence: 3 prime UTR variant.
Genome position (GRCh38, 1-based): chr14:74,260,973, G>A. VCF-style: chr14-74260973-G-A. GRCh37 (hg19) VCF-style: chr14-74727676-G-A.
Identifiers: ClinVar variation 314208 (VCV000314208.8), dbSNP rs144840915, ClinGen allele CA10644839.